The following is an entry in ClinVar:

NM_001099274.3(TINF2):c.400-20_400-18dup

Gene: TINF2 (TERF1 interacting nuclear factor 2; minus strand). Cytogenetic location: 14q12.
Variant type: Duplication.
Coding change: c.400-20_400-18dup on transcript NM_001099274.3 (MANE Select); 20 bases into the intron before coding-DNA position 400 through 18 bases into the intron before coding-DNA position 400, 3 bases duplicated (CCT; older notation c.400-20_400-18dupCCT).
Molecular consequence: intron variant.
Genome position (GRCh38, 1-based): chr14:24,241,329-24,241,331, AGG duplicated on the plus strand (CCT on the coding strand, the reverse complement: TINF2 is on the minus strand). VCF-style (leftmost placement, unchanged base first): chr14-24241328-T-TAGG. GRCh37 (hg19) VCF-style: chr14-24710534-T-TAGG.
Other names: c.400-20_400-18dup (NM_012461.3); c.295-20_295-18dup (NM_001363668.2); c.400-20_400-18dupCCT (NM_001099274.3).
Identifiers: ClinVar variation 1169175 (VCV001169175.13), dbSNP rs58372573, ClinGen allele CA7130662.

ClinVar aggregate classification (germline): Benign. Review status: criteria provided, multiple submitters, no conflicts (2 of 4 stars). 4 submissions from 4 submitters: Benign (4). Last evaluated 2026-02-03.

Conditions:
Dyskeratosis congenita. Identifiers: Orphanet 1775, MedGen C0265965, MONDO:0015780.

Allele frequency attached by ClinVar (database versions not stated): gnomAD exomes 0.00592 and 0.01514; ExAC 0.01821; gnomAD 0.06024 and 0.06483; 1000 Genomes Project 0.06050; ESP Exome Variant Server 0.06471; 1000 Genomes Project 30x 0.06496; TOPMed 0.06744.

Submissions (4):

Labcorp Genetics (formerly Invitae), Labcorp
Classification: Benign for Dyskeratosis congenita. Last evaluated: 2026-02-03. Review status: criteria provided, single submitter. Criteria: Invitae Variant Classification Sherloc (09022015). Collection method: clinical testing. Allele origin: germline.

ARUP Laboratories, Molecular Genetics and Genomics, ARUP Laboratories
Classification: Benign. Last evaluated: 2025-05-21. Review status: criteria provided, single submitter. Criteria: ARUP Molecular Germline Variant Investigation Process 2024. Collection method: clinical testing. Allele origin: germline.

Center for Genomic Medicine, Rigshospitalet, Copenhagen University Hospital
Classification: Benign. Last evaluated: 2025-03-04. Review status: criteria provided, single submitter. Criteria: ACMG Guidelines, 2015. Collection method: clinical testing. Allele origin: germline.
Comment: Classification criteria: BA1

GeneDx
Classification: Benign. Last evaluated: 2019-02-14. Review status: criteria provided, single submitter. Criteria: GeneDx Variant Classification Process June 2021. Collection method: clinical testing. Allele origin: germline. Affected: yes.